The following is an entry in ClinVar:

ClinVar aggregate classification (germline): Uncertain significance. Review status: criteria provided, multiple submitters, no conflicts (2 of 4 stars). 2 submissions from 2 submitters: Uncertain significance (2). Last evaluated 2024-03-28.

Conditions:
Inborn genetic diseases. Identifiers: MedGen C0950123, MeSH D030342.

Allele frequency attached by ClinVar (database versions not stated): gnomAD exomes below 0.00001; ExAC 0.00001; gnomAD 0.00003 and 0.00004; TOPMed 0.00004; ESP Exome Variant Server 0.00023.
gnomAD v4.1: 7 of 1,613,840 alleles (0.00043%); highest among the groups gnomAD compares: African/African-American, 0.008%; no homozygotes.

Submissions (2):

Labcorp Genetics (formerly Invitae), Labcorp
Classification: Uncertain significance. Last evaluated: 2024-03-28. Review status: criteria provided, single submitter. Criteria: Invitae Variant Classification Sherloc (09022015). Collection method: clinical testing. Allele origin: germline.
Comment: This sequence change replaces proline, which is neutral and non-polar, with serine, which is neutral and polar, at codon 164 of the GDF5 protein (p.Pro164Ser). This variant is present in population databases (rs148130255, gnomAD 0.008%). This variant has not been reported in the literature in individuals affected with GDF5-related conditions. ClinVar contains an entry for this variant (Variation ID: 1392000). Advanced modeling of protein sequence and biophysical properties (such as structural, functional, and spatial information, amino acid conservation, physicochemical variation, residue mobility, and thermodynamic stability) performed at Invitae indicates that this missense variant is not expected to disrupt GDF5 protein function with a negative predictive value of 80%. In summary, the available evidence is currently insufficient to determine the role of this variant in disease. Therefore, it has been classified as a Variant of Uncertain Significance.

Ambry Genetics
Classification: Uncertain significance for Inborn genetic diseases. Last evaluated: 2022-08-17. Review status: criteria provided, single submitter. Criteria: Ambry Variant Classification Scheme 2023. Collection method: clinical testing. Allele origin: germline.

NM_000557.5(GDF5):c.490C>T (p.Pro164Ser)

Gene: GDF5 (growth differentiation factor 5; minus strand). Cytogenetic location: 20q11.22.
Variant type: single nucleotide variant.
Coding change: c.490C>T on transcript NM_000557.5 (MANE Select); coding-DNA position 490, C replaced by T.
Protein change: p.Pro164Ser; replaces proline 164 with serine.
Molecular consequence: missense variant.
Genome position (GRCh38, 1-based): chr20:35,437,439, G>A on the plus strand (C>T on the coding strand, the complement: GDF5 is on the minus strand). VCF-style: chr20-35437439-G-A. GRCh37 (hg19) VCF-style: chr20-34025219-G-A.
Other names: c.490C>T, p.Pro164Ser (NM_001319138.2); c.490C>T (NM_000557.2); short protein forms P164S.
Identifiers: ClinVar variation 1392000 (VCV001392000.9), dbSNP rs148130255, ClinGen allele CA9832339.